The following is an entry in ClinVar:

ClinVar aggregate classification (germline): Conflicting classifications of pathogenicity. Review status: criteria provided, conflicting classifications (1 of 4 stars). 3 submissions from 3 submitters: Pathogenic (1); Uncertain significance (2). Last evaluated 2026-03-30.

Conditions:
Usher syndrome type 2A. Also called: USHER SYNDROME, TYPE IIA; RETINAL DISEASE IN USHER SYNDROME TYPE IIA, MODIFIER OF. Identifiers: Orphanet 231178, Orphanet 886, MedGen C1848634, MONDO:0010169, OMIM 276901.

Allele frequency attached by ClinVar (database versions not stated): gnomAD exomes 0.00001 and below 0.00001; ExAC 0.00001.
gnomAD v4.1: 3 of 1,613,924 alleles (0.00019%); highest among the groups gnomAD compares: Non-Finnish European, 0.00025%; no homozygotes.

Submissions (3):

Institute of Human Genetics, University of Leipzig Medical Center
Classification: Uncertain significance for Usher syndrome type 2A. Last evaluated: 2026-03-30. Review status: criteria provided, single submitter. Criteria: ACMG Guidelines, 2015. Collection method: clinical testing. Allele origin: unknown. Inheritance: Autosomal recessive inheritance. Affected: yes.
Comment: Criteria applied: PM2_SUP,PM5,PP3,PP4

Labcorp Genetics (formerly Invitae), Labcorp
Classification: Pathogenic. Last evaluated: 2022-09-13. Review status: criteria provided, single submitter. Criteria: Invitae Variant Classification Sherloc (09022015). Collection method: clinical testing. Allele origin: germline.
Comment: This missense change has been observed in individual(s) with clinical features of Usher syndrome (PMID: 26927203; Invitae). This sequence change replaces aspartic acid, which is acidic and polar, with histidine, which is basic and polar, at codon 347 of the USH2A protein (p.Asp347His). This variant is present in population databases (rs772317024, gnomAD 0.0009%). ClinVar contains an entry for this variant (Variation ID: 1042200). Algorithms developed to predict the effect of missense changes on protein structure and function are either unavailable or do not agree on the potential impact of this missense change (SIFT: "Deleterious"; PolyPhen-2: "Probably Damaging"; Align-GVGD: "Class C0"). This variant disrupts the p.Asp347 amino acid residue in USH2A. Other variant(s) that disrupt this residue have been determined to be pathogenic (PMID: 25558175, 33576794). This suggests that this residue is clinically significant, and that variants that disrupt this residue are likely to be disease-causing. For these reasons, this variant has been classified as Pathogenic.

CeGaT Center for Human Genetics Tuebingen
Classification: Uncertain significance. Last evaluated: 2022-06-01. Review status: criteria provided, single submitter. Criteria: CeGaT Center For Human Genetics Tuebingen Variant Classification Criteria Version 2. Collection method: clinical testing. Allele origin: germline. Affected: yes. Observed: 1 variant allele.
Comment: USH2A: PM2, PM3:Supporting, PM5:Supporting, PP4

Literature cited by the submitters: PubMed 26927203 (cited by Labcorp Genetics (formerly Invitae), Labcorp); PubMed 25558175 (cited by Labcorp Genetics (formerly Invitae), Labcorp); PubMed 33576794 (cited by Labcorp Genetics (formerly Invitae), Labcorp).

NM_206933.4(USH2A):c.1039G>C (p.Asp347His)

Gene: USH2A (usherin; minus strand). Cytogenetic location: 1q41.
Variant type: single nucleotide variant.
Coding change: c.1039G>C on transcript NM_206933.4 (MANE Select); coding-DNA position 1039, G replaced by C.
Protein change: p.Asp347His; replaces aspartic acid 347 with histidine.
Molecular consequence: missense variant.
Genome position (GRCh38, 1-based): chr1:216,325,409, C>G on the plus strand (G>C on the coding strand, the complement: USH2A is on the minus strand). VCF-style: chr1-216325409-C-G. GRCh37 (hg19) VCF-style: chr1-216498751-C-G.
Other names: c.1039G>C, p.Asp347His (NM_007123.6); short protein forms D347H.
Identifiers: ClinVar variation 1042200 (VCV001042200.38), dbSNP rs772317024, ClinGen allele CA1396617.